The following is an entry in ClinVar:

NM_006565.4(CTCF):c.984C>T (p.Asp328=)

Gene: CTCF (CCCTC-binding factor; plus strand). Cytogenetic location: 16q22.1.
Variant type: single nucleotide variant.
Coding change: c.984C>T on transcript NM_006565.4 (MANE Select); coding-DNA position 984, C replaced by T.
Protein change: p.Asp328=; no amino-acid change (aspartic acid 328 retained).
Molecular consequence: synonymous variant. On other transcripts: 5 prime UTR variant (1).
Genome position (GRCh38, 1-based): chr16:67,616,776, C>T. VCF-style: chr16-67616776-C-T. GRCh37 (hg19) VCF-style: chr16-67650679-C-T.
Other names: c.-1C>T (NM_001191022.2); c.984C>T, p.Asp328= (NM_001363916.2).
Identifiers: ClinVar variation 3035902 (VCV003035902.2), dbSNP rs1294091835, ClinGen allele CA495995422.

ClinVar aggregate classification (germline): Likely benign (0 of 4 stars; one submission).

Conditions:
CTCF-related disorder. Also called: CTCF-related condition. Identifiers: MedGen CN381101.

Allele frequency attached by ClinVar (database versions not stated): gnomAD 0.00001; gnomAD exomes 0.00001; TOPMed 0.00001.
gnomAD v4.1: 14 of 1,614,088 alleles (0.00087%); highest among the groups gnomAD compares: Non-Finnish European, 0.0011%; no homozygotes.

Submission:

PreventionGenetics, part of Exact Sciences
Classification: Likely benign for CTCF-related condition. Last evaluated: 2019-08-01. Review status: no assertion criteria provided. Collection method: clinical testing. Allele origin: germline.
Comment: This variant is classified as likely benign based on ACMG/AMP sequence variant interpretation guidelines (Richards et al. 2015 PMID: 25741868, with internal and published modifications).